The following is an entry in ClinVar:

NM_004336.5(BUB1):c.1454A>G (p.Asp485Gly)

Gene: BUB1 (BUB1 mitotic checkpoint serine/threonine kinase; minus strand). Cytogenetic location: 2q13.
Variant type: single nucleotide variant.
Coding change: c.1454A>G on transcript NM_004336.5 (MANE Select); coding-DNA position 1454, A replaced by G.
Protein change: p.Asp485Gly; replaces aspartic acid 485 with glycine.
Molecular consequence: missense variant.
Genome position (GRCh38, 1-based): chr2:110,658,472, T>C on the plus strand (A>G on the coding strand, the complement: BUB1 is on the minus strand). VCF-style: chr2-110658472-T-C. GRCh37 (hg19) VCF-style: chr2-111416049-T-C.
Other names: c.1394A>G, p.Asp465Gly (NM_001278616.2); c.1454A>G, p.Asp485Gly (NM_001278617.2); short protein forms D485G, D465G.
Identifiers: ClinVar variation 1773012 (VCV001773012.2), dbSNP rs1417757827, ClinGen allele CA348212379.

ClinVar aggregate classification (germline): Uncertain significance (1 of 4 stars; one submission).

Allele frequency attached by ClinVar (database versions not stated): gnomAD exomes below 0.00001; gnomAD 0.00001; TOPMed 0.00001.
gnomAD v4.1: 2 of 1,613,942 alleles (0.00012%); highest among the groups gnomAD compares: Non-Finnish European, 0.00017%; no homozygotes.

Submission:

Ambry Genetics
Classification: Uncertain significance. Last evaluated: 2022-07-07. Review status: criteria provided, single submitter. Criteria: Ambry Variant Classification Scheme 2023. Collection method: clinical testing. Allele origin: germline.
Comment: The p.D485G variant (also known as c.1454A>G), located in coding exon 13 of the BUB1 gene, results from an A to G substitution at nucleotide position 1454. The aspartic acid at codon 485 is replaced by glycine, an amino acid with similar properties. This amino acid position is conserved. In addition, this alteration is predicted to be tolerated by in silico analysis. Since supporting evidence is limited at this time, the clinical significance of this alteration remains unclear.